The following is an entry in ClinVar:

NM_000338.3(SLC12A1):c.548T>A (p.Val183Glu)

Gene: SLC12A1 (solute carrier family 12 member 1; plus strand). Cytogenetic location: 15q21.1.
Variant type: single nucleotide variant.
Coding change: c.548T>A on transcript NM_000338.3 (MANE Select); coding-DNA position 548, T replaced by A.
Protein change: p.Val183Glu; replaces valine 183 with glutamic acid.
Molecular consequence: missense variant.
Genome position (GRCh38, 1-based): chr15:48,220,761, T>A. VCF-style: chr15-48220761-T-A. GRCh37 (hg19) VCF-style: chr15-48512958-T-A.
Other names: c.548T>A, p.Val183Glu (NM_001184832.2, NM_001384136.1); short protein forms V183E.
Identifiers: ClinVar variation 3248631 (VCV003248631.1), dbSNP rs2505026310.

ClinVar aggregate classification (germline): Likely pathogenic (1 of 4 stars; one submission).

gnomAD v4.1: 1 of 1,613,968 alleles (0.000062%); highest among the groups gnomAD compares: Non-Finnish European, 0.000085%; no homozygotes.

Submission:

Centre of Medical Genetics, University Hospital Muenster
Classification: Likely pathogenic. Last evaluated: 2024-03-08. Review status: criteria provided, single submitter. Criteria: ACMG Guidelines, 2015. Collection method: clinical testing. Allele origin: unknown. Affected: yes. Observed: 1 variant allele, 1 heterozygote.
Comment: ACMG categories: PM2,PM3,PP3,PP4